The following is an entry in ClinVar:

ClinVar aggregate classification (germline): Uncertain significance (1 of 4 stars; one submission).

Allele frequency attached by ClinVar (database versions not stated): ExAC 0.00001; gnomAD 0.00001; gnomAD exomes 0.00001; TOPMed 0.00002.
gnomAD v4.1: 7 of 1,614,010 alleles (0.00043%); highest among the groups gnomAD compares: Admixed American, 0.01%; no homozygotes.

Submission:

Labcorp Genetics (formerly Invitae), Labcorp
Classification: Uncertain significance. Last evaluated: 2025-09-08. Review status: criteria provided, single submitter. Criteria: Invitae Variant Classification Sherloc (09022015). Collection method: clinical testing. Allele origin: germline.
Comment: This sequence change replaces valine, which is neutral and non-polar, with glutamic acid, which is acidic and polar, at codon 1391 of the MYO5B protein (p.Val1391Glu). This variant is present in population databases (rs748585406, gnomAD 0.01%). This variant has not been reported in the literature in individuals affected with MYO5B-related conditions. ClinVar contains an entry for this variant (Variation ID: 2191958). Invitae Evidence Modeling of protein sequence and biophysical properties (such as structural, functional, and spatial information, amino acid conservation, physicochemical variation, residue mobility, and thermodynamic stability) indicates that this missense variant is not expected to disrupt MYO5B protein function with a negative predictive value of 80%. In summary, the available evidence is currently insufficient to determine the role of this variant in disease. Therefore, it has been classified as a Variant of Uncertain Significance.

NM_001080467.3(MYO5B):c.4172T>A (p.Val1391Glu)

Gene: MYO5B (myosin VB; minus strand). Cytogenetic location: 18q21.1.
Variant type: single nucleotide variant.
Coding change: c.4172T>A on transcript NM_001080467.3 (MANE Select); coding-DNA position 4172, T replaced by A.
Protein change: p.Val1391Glu; replaces valine 1391 with glutamic acid.
Molecular consequence: missense variant.
Genome position (GRCh38, 1-based): chr18:49,853,498, A>T on the plus strand (T>A on the coding strand, the complement: MYO5B is on the minus strand). VCF-style: chr18-49853498-A-T. GRCh37 (hg19) VCF-style: chr18-47379868-A-T.
Other names: short protein forms V1391E.
Identifiers: ClinVar variation 2191958 (VCV002191958.2), dbSNP rs748585406, ClinGen allele CA8960451.